The following is an entry in ClinVar:

NM_001371623.1(TCOF1):c.1844CGGACAGTG[3] (p.Ser620_Glu621insAlaAspSer)

Gene: TCOF1 (treacle ribosome biogenesis factor 1; plus strand). Cytogenetic location: 5q32.
Variant type: Microsatellite.
Coding change: c.1844CGGACAGTG[3] on transcript NM_001371623.1 (MANE Select); three copies in a row of the 9-base unit CGGACAGTG starting at c.1844; the reference has two copies in a row; one copy, 9 bases duplicated.
Protein change: p.Ser620_Glu621insAlaAspSer.
Molecular consequence: inframe insertion.
Genome position (GRCh38, 1-based): chr5:150,375,869-150,375,877, CGGACAGTG duplicated; duplicating any 9 consecutive bases within chr5:150,375,860-150,375,877 gives the same sequence; the position shown is the placement nearest the transcript's 3' end. VCF-style (leftmost placement, unchanged base first): chr5-150375859-T-TCGGACAGTG. GRCh37 (hg19) VCF-style: chr5-149755422-T-TCGGACAGTG.
Other names: c.1613CGGACAGTG[3], p.Ser543_Glu544insAlaAspSer (NM_000356.4, NM_001135245.2); c.1844CGGACAGTG[3], p.Ser620_Glu621insAlaAspSer (NM_001008657.3, NM_001135243.2, NM_001135244.2 and 1 more transcripts).
Identifiers: ClinVar variation 1934891 (VCV001934891.5), dbSNP rs1231472147, ClinGen allele CA805606728.

ClinVar aggregate classification (germline): Uncertain significance (1 of 4 stars; one submission).

Conditions:
Treacher Collins syndrome 1 (TCS1). Also called: TCOF1-Related Treacher Collins Syndrome. Identifiers: Orphanet 861, MedGen CN315775, MONDO:0007944, OMIM 154500.

Submission:

Labcorp Genetics (formerly Invitae), Labcorp
Classification: Uncertain significance for Treacher Collins syndrome 1. Last evaluated: 2024-10-25. Review status: criteria provided, single submitter. Criteria: Invitae Variant Classification Sherloc (09022015). Collection method: clinical testing. Allele origin: germline.
Comment: This variant, c.1853_1861dup, results in the insertion of 3 amino acid(s) of the TCOF1 protein (p.Ala618_Ser620dup), but otherwise preserves the integrity of the reading frame. This variant is not present in population databases (gnomAD no frequency). This variant has not been reported in the literature in individuals affected with TCOF1-related conditions. This variant has been observed in at least one individual who was not affected with TCOF1-related conditions (internal data). In summary, the available evidence is currently insufficient to determine the role of this variant in disease. Therefore, it has been classified as a Variant of Uncertain Significance.